The following is an entry in ClinVar:

NM_014244.5(ADAMTS2):c.1377C>A (p.Tyr459Ter)

Gene: ADAMTS2 (ADAM metallopeptidase with thrombospondin type 1 motif 2; minus strand). Cytogenetic location: 5q35.3.
Variant type: single nucleotide variant.
Coding change: c.1377C>A on transcript NM_014244.5 (MANE Select); coding-DNA position 1377, C replaced by A.
Protein change: p.Tyr459Ter; replaces tyrosine 459 with a stop codon.
Molecular consequence: nonsense.
Genome position (GRCh38, 1-based): chr5:179,154,054, G>T on the plus strand (C>A on the coding strand, the complement: ADAMTS2 is on the minus strand). VCF-style: chr5-179154054-G-T. GRCh37 (hg19) VCF-style: chr5-178581055-G-T.
Other names: c.1377C>A, p.Tyr459Ter (NM_021599.4); short protein forms Y459*.
Identifiers: ClinVar variation 1725590 (VCV001725590.2), dbSNP rs933381749, ClinGen allele CA362433197.

ClinVar aggregate classification (germline): Likely pathogenic (1 of 4 stars; one submission).

Conditions:
Ehlers-Danlos syndrome, dermatosparaxis type. Also called: EDS VIIC; Dermatosparaxis; Ehlers-Danlos syndrome, type VII, autosomal recessive. Identifiers: Orphanet 1901, MedGen C2700425, MONDO:0009161, OMIM 225410.

Submission:

Myriad Genetics, Inc.
Classification: Likely pathogenic for Ehlers-Danlos syndrome, dermatosparaxis type. Last evaluated: 2022-03-30. Review status: criteria provided, single submitter. Criteria: Myriad Women's Health Autosomal Recessive and X-Linked Classification Criteria (2021). Collection method: clinical testing. Allele origin: unknown.
Comment: NM_014244.4(ADAMTS2):c.1377C>A(Y459*) is expected to be pathogenic in the context of Ehlers-Danlos syndrome type VIIC. This variant is predicted to lead to an abnormal or absent protein product due to the creation of a premature termination codon in ADAMTS2, a gene where loss-of-function variants are known to be pathogenic. Please note: this variant was assessed in the context of healthy population screening.